The following is an entry in ClinVar:

NM_002292.4(LAMB2):c.1576G>A (p.Val526Met)

Gene: LAMB2 (laminin subunit beta 2; minus strand). Cytogenetic location: 3p21.31.
Variant type: single nucleotide variant.
Coding change: c.1576G>A on transcript NM_002292.4 (MANE Select); coding-DNA position 1576, G replaced by A.
Protein change: p.Val526Met; replaces valine 526 with methionine.
Molecular consequence: missense variant.
Genome position (GRCh38, 1-based): chr3:49,129,267, C>T on the plus strand (G>A on the coding strand, the complement: LAMB2 is on the minus strand). VCF-style: chr3-49129267-C-T. GRCh37 (hg19) VCF-style: chr3-49166700-C-T.
Other names: c.1576G>A (NM_002292.3); short protein forms V526M.
Identifiers: ClinVar variation 1967752 (VCV001967752.5), dbSNP rs370976756, ClinGen allele CA2394554.
Genomic context (GRCh38, chr3:49,129,267, plus strand): 5'-TTCCCCATCCCTTCCCAGGCCCCCTTTACAACACTTACTGGGGATCCAAAGCACCACCCA[C>T]GTCGCAGTCACAGGGGCGGCAGCCGAGCAGGTCGTGGCTCAGGCCCCAGTGGCCAGGCTG-3'
Protein context (NP_002283.3, residues 516-536): LLGCRPCDCD[Val526Met]GGALDPQCDE

ClinVar aggregate classification (germline): Uncertain significance. Review status: criteria provided, multiple submitters, no conflicts (2 of 4 stars). 2 submissions from 2 submitters: Uncertain significance (2). Last evaluated 2025-04-12.

Conditions:
Inborn genetic diseases. Identifiers: MedGen C0950123, MeSH D030342.
LAMB2-related infantile-onset nephrotic syndrome. Also called: Nephrotic Syndrome, type 5; NEPHROTIC SYNDROME, TYPE 5, WITHOUT OCULAR ABNORMALITIES; NEPHROTIC SYNDROME, TYPE 5, WITH OCULAR ABNORMALITIES. Identifiers: Orphanet 306507, MedGen C3280113, MONDO:0013621, OMIM 614199.
Pierson syndrome. Also called: MICROCORIA-CONGENITAL NEPHROTIC SYNDROME. Identifiers: Orphanet 2670, MedGen C1836876, MONDO:0012184, OMIM 609049.

Allele frequency attached by ClinVar (database versions not stated): TOPMed 0.00001; ExAC 0.00002; gnomAD 0.00003; ESP Exome Variant Server 0.00008.
gnomAD v4.1: 25 of 1,613,814 alleles (0.0015%); highest among the groups gnomAD compares: African/African-American, 0.0027%; no homozygotes.

Submissions (2):

Ambry Genetics
Classification: Uncertain significance for Inborn genetic diseases. Last evaluated: 2025-04-12. Review status: criteria provided, single submitter. Criteria: Ambry Variant Classification Scheme 2023. Collection method: clinical testing. Allele origin: germline.

Labcorp Genetics (formerly Invitae), Labcorp
Classification: Uncertain significance for LAMB2-related infantile-onset nephrotic syndrome; Pierson syndrome. Last evaluated: 2022-08-23. Review status: criteria provided, single submitter. Criteria: Invitae Variant Classification Sherloc (09022015). Collection method: clinical testing. Allele origin: germline.
Comment: This sequence change replaces valine, which is neutral and non-polar, with methionine, which is neutral and non-polar, at codon 526 of the LAMB2 protein (p.Val526Met). In summary, the available evidence is currently insufficient to determine the role of this variant in disease. Therefore, it has been classified as a Variant of Uncertain Significance. Algorithms developed to predict the effect of missense changes on protein structure and function are either unavailable or do not agree on the potential impact of this missense change (SIFT: "Deleterious"; PolyPhen-2: "Possibly Damaging"; Align-GVGD: "Class C0"). This variant has not been reported in the literature in individuals affected with LAMB2-related conditions. This variant is present in population databases (rs370976756, gnomAD 0.003%).